The following is an entry in ClinVar:

ClinVar aggregate classification (germline): Uncertain significance (1 of 4 stars; one submission).

Submission:

Labcorp Genetics (formerly Invitae), Labcorp
Classification: Uncertain significance. Last evaluated: 2022-07-25. Review status: criteria provided, single submitter. Criteria: Invitae Variant Classification Sherloc (09022015). Collection method: clinical testing. Allele origin: germline.
Comment: This variant is not present in population databases (gnomAD no frequency). This sequence change replaces asparagine, which is neutral and polar, with threonine, which is neutral and polar, at codon 426 of the MDM4 protein (p.Asn426Thr). This variant has not been reported in the literature in individuals affected with MDM4-related conditions. In summary, the available evidence is currently insufficient to determine the role of this variant in disease. Therefore, it has been classified as a Variant of Uncertain Significance. Algorithms developed to predict the effect of missense changes on protein structure and function (SIFT, PolyPhen-2, Align-GVGD) all suggest that this variant is likely to be tolerated.

NM_002393.5(MDM4):c.1277A>C (p.Asn426Thr)

Gene: MDM4 (MDM4 regulator of p53; plus strand). Cytogenetic location: 1q32.1.
Variant type: single nucleotide variant.
Coding change: c.1277A>C on transcript NM_002393.5 (MANE Select); coding-DNA position 1277, A replaced by C.
Protein change: p.Asn426Thr; replaces asparagine 426 with threonine.
Molecular consequence: missense variant. On other transcripts: 3 prime UTR variant (2).
Genome position (GRCh38, 1-based): chr1:204,549,486, A>C. VCF-style: chr1-204549486-A-C. GRCh37 (hg19) VCF-style: chr1-204518614-A-C.
Other names: c.1127A>C, p.Asn376Thr (NM_001204171.2); c.299A>C, p.Asn100Thr (NM_001204172.2); c.*786A>C (NM_001278516.2); c.983A>C, p.Asn328Thr (NM_001278517.2); c.*447A>C (NM_001278518.2); c.608A>C, p.Asn203Thr (NM_001278519.2); short protein forms N100T, N426T, N203T, N328T, N376T.
Identifiers: ClinVar variation 2177710 (VCV002177710.4), dbSNP rs2527287563, ClinGen allele CA344368674.